The following is an entry in ClinVar:

NM_002485.5(NBN):c.1915-6T>C

Gene: NBN (nibrin; minus strand). Cytogenetic location: 8q21.3.
Variant type: single nucleotide variant.
Coding change: c.1915-6T>C on transcript NM_002485.5 (MANE Select); 6 bases into the intron before coding-DNA position 1915, T replaced by C.
Molecular consequence: intron variant.
Genome position (GRCh38, 1-based): chr8:89,946,301, A>G on the plus strand (T>C on the coding strand, the complement: NBN is on the minus strand). VCF-style: chr8-89946301-A-G. GRCh37 (hg19) VCF-style: chr8-90958529-A-G.
Other names: c.1669-6T>C (NM_001024688.3).
Identifiers: ClinVar variation 681142 (VCV000681142.1), dbSNP rs1586040852, ClinGen allele CA915945762.

ClinVar aggregate classification (germline): Likely benign (1 of 4 stars; one submission).

Submission:

GeneDx
Classification: Likely benign. Last evaluated: 2018-03-21. Review status: criteria provided, single submitter. Criteria: GeneDx Variant Classification (06012015). Collection method: clinical testing. Allele origin: germline. Affected: yes.
Comment: This variant is considered likely benign or benign based on one or more of the following criteria: it is a conservative change, it occurs at a poorly conserved position in the protein, it is predicted to be benign by multiple in silico algorithms, and/or has population frequency not consistent with disease.